The following is an entry in ClinVar:

ClinVar aggregate classification (germline): Pathogenic (1 of 4 stars; one submission).

Conditions:
Fabry disease. Also called: ALPHA-GALACTOSIDASE A DEFICIENCY; ANDERSON-FABRY DISEASE; CERAMIDE TRIHEXOSIDASE DEFICIENCY; GLA DEFICIENCY; HEREDITARY DYSTOPIC LIPIDOSIS; Angiokeratoma corporis diffusum. Identifiers: Orphanet 324, MedGen C0002986, MONDO:0010526, OMIM 301500, HP:0001071. Disease mechanism: Fabry disease is due to inactivating mutations in the X-linked GLA gene resulting in deficiency of the enzyme Alpha Galactosidase-A., loss of function.

Submission:

Genomenon, Inc
Classification: Pathogenic for Fabry disease. Last evaluated: 2026-09-08. Review status: criteria provided, single submitter. Criteria: Genomenon Sequence Variant Interpretation Standards - Updated. Collection method: curation. Allele origin: germline. Affected: yes.
Comment: GLA p.Tyr134Ser (c.401A>C) is a missense variant that changes the amino acid at codon 134 from Tyrosine to Serine. This variant has been observed in at least one proband with clinical features consistent with Fabry disease (PMID:20022777;39766319;30834538;9100224;29853467;33633114;16595074). At least one functional study has demonstrated a substantial alteration in protein function relative to the wild-type (PMID:27657681). This variant is located in a mutational hotspot and/or important functional domain. It is absent or not present at a significant frequency in gnomAD. In silico models predict that this variant is possibly or probably damaging. In conclusion, we classify GLA p.Tyr134Ser (c.401A>C) as a pathogenic variant.

Literature cited by the submitters: PubMed 20022777; PubMed 39766319; PubMed 30834538; PubMed 9100224; PubMed 29853467; PubMed 33633114; PubMed 16595074; PubMed 27657681.

NM_000169.3(GLA):c.401A>C (p.Tyr134Ser)

Genes: GLA (galactosidase alpha; minus strand), RPL36A-HNRNPH2 (RPL36A-HNRNPH2 readthrough; plus strand). Cytogenetic location: Xq22.1.
Variant type: single nucleotide variant.
Coding change: c.401A>C on transcript NM_000169.3 (MANE Select); coding-DNA position 401, A replaced by C.
Protein change: p.Tyr134Ser; replaces tyrosine 134 with serine.
Molecular consequence: missense variant. On other transcripts: non-coding transcript variant (3), intron variant (2).
Genome position (GRCh38, 1-based): chrX:101,401,778, T>G on the plus strand (A>C on the coding strand, the complement: GLA is on the minus strand). VCF-style: chrX-101401778-T-G. GRCh37 (hg19) VCF-style: chrX-100656766-T-G.
Other names: c.524A>C, p.Tyr175Ser (NM_001406747.1, NM_001406749.1); c.401A>C, p.Tyr134Ser (NM_001406748.1); c.300+6321T>G (NM_001199973.2); c.177+9956T>G (NM_001199974.2); short protein forms Y134S, Y175S.
Identifiers: ClinVar variation 4087360 (VCV004087360.2), dbSNP rs2147477791.